The following is an entry in ClinVar:

ClinVar aggregate classification (germline): Uncertain significance. Review status: criteria provided, multiple submitters, no conflicts (2 of 4 stars). 2 submissions from 2 submitters: Uncertain significance (2). Last evaluated 2026-09-13.

Conditions:
POLD1-related polyposis and colorectal cancer syndrome (CRCS10). Also called: Colorectal cancer, susceptibility to, 10; Colorectal cancer 10; COLORECTAL CANCER, SUSCEPTIBILITY TO, ON CHROMOSOME 19q. Identifiers: Orphanet 220460, MedGen C2675481, MONDO:0012953, OMIM 612591.
Hereditary cancer-predisposing syndrome. Also called: Hereditary Cancer Syndrome; Hereditary neoplastic syndrome; Neoplastic Syndromes, Hereditary; Tumor predisposition. Identifiers: Orphanet 140162, MedGen C0027672, MeSH D009386, MONDO:0015356.

Submissions (2):

Ambry Genetics
Classification: Uncertain significance for Hereditary cancer-predisposing syndrome. Last evaluated: 2026-09-13. Review status: criteria provided, single submitter. Criteria: Ambry Variant Classification Scheme 2023. Collection method: clinical testing. Allele origin: germline.
Comment: The p.S1020C variant (also known as c.3058A>T), located in coding exon 23 of the POLD1 gene, results from an A to T substitution at nucleotide position 3058. The serine at codon 1020 is replaced by cysteine, an amino acid with dissimilar properties. This amino acid position is conserved. In addition, this alteration is predicted to be tolerated by in silico analysis. Based on the available evidence, the clinical significance of this variant remains unclear.

Labcorp Genetics (formerly Invitae), Labcorp
Classification: Uncertain significance for POLD1-related polyposis and colorectal cancer syndrome. Last evaluated: 2023-11-01. Review status: criteria provided, single submitter. Criteria: Invitae Variant Classification Sherloc (09022015). Collection method: clinical testing. Allele origin: germline.
Comment: This sequence change replaces serine, which is neutral and polar, with cysteine, which is neutral and slightly polar, at codon 1020 of the POLD1 protein (p.Ser1020Cys). This variant is not present in population databases (gnomAD no frequency). This variant has not been reported in the literature in individuals affected with POLD1-related conditions. Advanced modeling of protein sequence and biophysical properties (such as structural, functional, and spatial information, amino acid conservation, physicochemical variation, residue mobility, and thermodynamic stability) performed at Invitae indicates that this missense variant is not expected to disrupt POLD1 protein function with a negative predictive value of 80%. In summary, the available evidence is currently insufficient to determine the role of this variant in disease. Therefore, it has been classified as a Variant of Uncertain Significance.

NM_002691.4(POLD1):c.3058A>T (p.Ser1020Cys)

Gene: POLD1 (DNA polymerase delta 1, catalytic subunit; plus strand). Cytogenetic location: 19q13.33.
Variant type: single nucleotide variant.
Coding change: c.3058A>T on transcript NM_002691.4 (MANE Select); coding-DNA position 3058, A replaced by T.
Protein change: p.Ser1020Cys; replaces serine 1020 with cysteine.
Molecular consequence: missense variant. On other transcripts: non-coding transcript variant (1).
Genome position (GRCh38, 1-based): chr19:50,416,714, A>T. VCF-style: chr19-50416714-A-T. GRCh37 (hg19) VCF-style: chr19-50919971-A-T.
Other names: c.3058A>T (NM_002691.2); c.3058A>T, p.Ser1020Cys (NM_001256849.1); c.3136A>T, p.Ser1046Cys (NM_001308632.1); short protein forms S1046C, S1020C.
Identifiers: ClinVar variation 2800170 (VCV002800170.4), dbSNP rs2514070395, ClinGen allele CA406987013.